The following is an entry in ClinVar:

NM_000381.4(MID1):c.202C>T (p.Arg68Ter)

Gene: MID1 (midline 1; minus strand). Cytogenetic location: Xp22.2.
Variant type: single nucleotide variant.
Coding change: c.202C>T on transcript NM_000381.4 (MANE Select); coding-DNA position 202, C replaced by T.
Protein change: p.Arg68Ter; replaces arginine 68 with a stop codon.
Molecular consequence: nonsense.
Genome position (GRCh38, 1-based): chrX:10,567,346, G>A on the plus strand (C>T on the coding strand, the complement: MID1 is on the minus strand). VCF-style: chrX-10567346-G-A. GRCh37 (hg19) VCF-style: chrX-10535386-G-A.
Other names: c.202C>T, p.Arg68Ter (NM_001098624.2, NM_001193277.1, NM_001193278.1 and 5 more transcripts); short protein forms R68*.
Identifiers: ClinVar variation 2778832 (VCV002778832.4), dbSNP rs2519201544, ClinGen allele CA412048872.

ClinVar aggregate classification (germline): Pathogenic (1 of 4 stars; one submission).

Submissions (2):

Labcorp Genetics (formerly Invitae), Labcorp
Classification: Pathogenic. Last evaluated: 2023-04-29. Review status: criteria provided, single submitter. Criteria: Invitae Variant Classification Sherloc (09022015). Collection method: clinical testing. Allele origin: germline.
Comment: For these reasons, this variant has been classified as Pathogenic. This variant has not been reported in the literature in individuals affected with MID1-related conditions. This variant is not present in population databases (gnomAD no frequency). This sequence change creates a premature translational stop signal (p.Arg68*) in the MID1 gene. It is expected to result in an absent or disrupted protein product. Loss-of-function variants in MID1 are known to be pathogenic (PMID: 15558842, 17221865, 21326312).

Dr. Peter K. Rogan Lab, Western University
No classification provided (evidence only). Condition: Thyroid cancer, nonmedullary, 1. Review status: no classification provided. Collection method: in vitro. Allele origin: not applicable. Functional consequence: retained intron. Not counted in ClinVar's aggregate classification.

Literature cited by the submitters: PubMed 15558842 (cited by Labcorp Genetics (formerly Invitae), Labcorp); PubMed 17221865 (cited by Labcorp Genetics (formerly Invitae), Labcorp); PubMed 21326312 (cited by Labcorp Genetics (formerly Invitae), Labcorp).